The following is an entry in ClinVar:

NM_022773.4(LMF1):c.1441A>G (p.Ile481Val)

Gene: LMF1 (lipase maturation factor 1; minus strand). Cytogenetic location: 16p13.3.
Variant type: single nucleotide variant.
Coding change: c.1441A>G on transcript NM_022773.4 (MANE Select); coding-DNA position 1441, A replaced by G.
Protein change: p.Ile481Val; replaces isoleucine 481 with valine.
Molecular consequence: missense variant. On other transcripts: non-coding transcript variant (1).
Genome position (GRCh38, 1-based): chr16:869,032, T>C on the plus strand (A>G on the coding strand, the complement: LMF1 is on the minus strand). VCF-style: chr16-869032-T-C. GRCh37 (hg19) VCF-style: chr16-919032-T-C.
Other names: c.790A>G, p.Ile264Val (NM_001352017.2, NM_001352021.2); c.1042A>G, p.Ile348Val (NM_001352018.2); c.1114A>G, p.Ile372Val (NM_001352019.2); c.1361A>G, p.His454Arg (NM_001352020.1); short protein forms I264V, H454R, I348V, I481V, I372V.
Identifiers: ClinVar variation 2451806 (VCV002451806.3), dbSNP rs778756884, ClinGen allele CA7796971.
Genomic context (GRCh38, chr16:869,032, plus strand): 5'-TGTGTGCCAGCAGGGACAAGGCCTCGGCGTCGCTGGCCAGGAGCTTGCCAGCCAGGTGGA[T>C]GATCCAGTCGTTGTGCTCGTAGGTCTGGGAGGAGAGGTCGGGCTGGAGACGGCTGTGCCA-3'
Protein context (NP_073610.2, residues 471-491): FQTYEHNDWI[Ile481Val]HLAGKLLASD

ClinVar aggregate classification (germline): Uncertain significance (1 of 4 stars; one submission).

Conditions:
Cardiovascular phenotype. Identifiers: MedGen CN230736.

Allele frequency attached by ClinVar (database versions not stated): gnomAD exomes below 0.00001; TOPMed below 0.00001; ExAC 0.00001; gnomAD 0.00001.
gnomAD v4.1: 5 of 1,612,446 alleles (0.00031%); highest among the groups gnomAD compares: Non-Finnish European, 0.00042%; no homozygotes.

Submission:

Ambry Genetics
Classification: Uncertain significance for Cardiovascular phenotype. Last evaluated: 2025-08-12. Review status: criteria provided, single submitter. Criteria: Ambry Variant Classification Scheme 2023. Collection method: clinical testing. Allele origin: germline.
Comment: The p.I481V variant (also known as c.1441A>G), located in coding exon 10 of the LMF1 gene, results from an A to G substitution at nucleotide position 1441. The isoleucine at codon 481 is replaced by valine, an amino acid with highly similar properties. This amino acid position is conserved. In addition, this alteration is predicted to be tolerated by in silico analysis. Since supporting evidence is limited at this time, the clinical significance of this alteration remains unclear.